The following is an entry in ClinVar:

ClinVar aggregate classification (germline): Conflicting classifications of pathogenicity. Review status: criteria provided, conflicting classifications (1 of 4 stars). 12 submissions from 12 submitters: Uncertain significance (7); Likely benign (3). 2 of the submissions do not count toward it. Last evaluated 2026-02-11.

Conditions:
BLM-related disorder. Also called: BLM-related condition.
Bloom syndrome (BLM). Also called: Bloom-Torre-Machacek syndrome. Identifiers: Orphanet 125, MedGen C0005859, MONDO:0008876, OMIM 210900.
Hereditary cancer-predisposing syndrome. Also called: Neoplastic Syndromes, Hereditary; Hereditary neoplastic syndrome; Hereditary Cancer Syndrome; Tumor predisposition. Identifiers: Orphanet 140162, MedGen C0027672, MeSH D009386, MONDO:0015356.

Allele frequency attached by ClinVar (database versions not stated): ESP Exome Variant Server 0.00015; ExAC 0.00023; gnomAD 0.00029 and 0.00030; TOPMed 0.00032.
gnomAD v4.1: 488 of 1,611,612 alleles (0.03%); highest among the groups gnomAD compares: Non-Finnish European, 0.038%; no homozygotes.

Submissions (12):

St. Jude Molecular Pathology, St. Jude Children's Research Hospital
Classification: Uncertain significance for Bloom syndrome. Last evaluated: 2026-02-11. Review status: criteria provided, single submitter. Criteria: St. Jude Assertion Criteria 2020. Collection method: clinical testing. Allele origin: germline.
Comment: The BLM c.43C>T p.(Arg15Cys) missense change has a maximum subpopulation frequency of 0.04% in gnomAD v2.1.1. The in silico tool REVEL predicts a benign effect on protein function, but to our knowledge this prediction has not been confirmed by functional studies. This variant has been observed in individuals with breast cancer, diffuse large B-cell lymphoma, mesothelioma, serrated polyposis syndrome, colorectal cancer and medulloblastoma (PMID: 35264596, 31956452, 33318203, 39519399, 25940061). To our knowledge, this variant has not been reported in individuals with Bloom syndrome. In summary, the evidence currently available is insufficient to determine the clinical significance of this variant. It has therefore been classified as of uncertain significance.

Labcorp Genetics (formerly Invitae), Labcorp
Classification: Likely benign for Bloom syndrome. Last evaluated: 2026-02-01. Review status: criteria provided, single submitter. Criteria: Invitae Variant Classification Sherloc (09022015). Collection method: clinical testing. Allele origin: germline.

Dasa
Classification: Uncertain significance. Last evaluated: 2025-09-22. Review status: criteria provided, single submitter. Criteria: DASA Assertion Criteria. Collection method: clinical testing. Allele origin: germline.
Comment: NM_000057.4(BLM):c.43C>T (p.Arg15Cys) is a missense variant that results in the substitution of arginine with cysteine. This variant is rare in population databases. Computational prediction algorithms are consistent with a deleterious effect. The currently available literature and clinical evidence are not sufficient to establish a definitive association between this variant and the reported condition. Therefore, this variant is classified as a variant of uncertain significance.

Blueprint Genetics
Classification: Uncertain significance. Last evaluated: 2024-10-11. Review status: criteria provided, single submitter. Criteria: ACMG Guidelines, 2015. Collection method: clinical testing. Allele origin: germline.

GeneDx
Classification: Uncertain significance. Last evaluated: 2024-08-14. Review status: criteria provided, single submitter. Criteria: GeneDx Variant Classification Process June 2021. Collection method: clinical testing. Allele origin: germline. Affected: yes.
Comment: In silico analysis supports that this missense variant has a deleterious effect on protein structure/function; In silico analysis is inconclusive as to whether the variant alters gene splicing. In the absence of RNA/functional studies, the actual effect of this sequence change is unknown.; This variant is associated with the following publications: (PMID: 31956452, 33318203, 29659569, 35264596, 25940061, 26580448, 31681265)

Quest Diagnostics Nichols Institute San Juan Capistrano
Classification: Uncertain significance. Last evaluated: 2024-07-02. Review status: criteria provided, single submitter. Criteria: Quest Diagnostics criteria. Collection method: clinical testing. Allele origin: unknown.
Comment: The BLM c.43C>T (p.Arg15Cys) variant has been reported in the published literature in individuals with peritoneal malignant mesothelioma and a rare case of immune thrombocytopenia (ITP) (PMID: 33318203 (2020), 31956452 (2019)). This variant has also been identified in individuals with breast cancer (PMID: 35264596 (2022)) and melanoma (PMID: 26580448 (2015)). The frequency of this variant in the general population, 0.0011 (12/11356 chromosomes in Southern European subpopulation (Genome Aggregation Database)), is higher than would generally be expected for pathogenic variants in this gene. Analysis of this variant using bioinformatics tools for the prediction of the effect of amino acid changes on protein structure and function yielded conflicting predictions that this variant is benign or damaging. Based on the available information, we are unable to determine the clinical significance of this variant.

Mendelics
Classification: Likely benign for Bloom syndrome. Last evaluated: 2024-04-09. Review status: criteria provided, single submitter. Criteria: ACMG Guidelines, 2015. Collection method: clinical testing. Allele origin: unknown.

Women's Health and Genetics/Laboratory Corporation of America, LabCorp
Classification: Uncertain significance. Last evaluated: 2023-03-30. Review status: criteria provided, single submitter. Criteria: LabCorp Variant Classification Summary - May 2015. Collection method: clinical testing. Allele origin: germline.
Comment: Variant summary: BLM c.43C>T (p.Arg15Cys) results in a non-conservative amino acid change located in the RecQ-like DNA helicase BLM, N-terminal domain (IPR032437) of the encoded protein sequence. Four of five in-silico tools predict a damaging effect of the variant on protein function. The variant allele was found at a frequency of 0.00024 in 247840 control chromosomes (gnomAD). This frequency is not significantly higher than estimated for a pathogenic variant in BLM causing Bloom Syndrome (0.00024 vs 0.0035), allowing no conclusion about variant significance. c.43C>T has been reported in the literature in heterozygous individuals affected with BLM1-related conditions, including pediatric cancer, immune deficiency, and malignant mesothelioma, however without strong evidence for causality (e.g., Gururangan_2015, Zhang_2015, Rudilla_2019, Viallard_2019, Bononi_2020). These reports do not provide unequivocal conclusions about association of the variant with Bloom Syndrome. To our knowledge, no experimental evidence demonstrating an impact on protein function has been reported. Six clinical diagnostic laboratories have submitted clinical-significance assessments for this variant to ClinVar after 2014 and have reported the variant with conflicting assessments, classifying the variant as uncertain significance (n = 3) or likely benign (n = 3). Based on the evidence outlined above, the variant was classified as uncertain significance.

Sema4
Classification: Uncertain significance for Hereditary cancer-predisposing syndrome. Last evaluated: 2022-03-13. Review status: criteria provided, single submitter. Criteria: Sema4 Curation Guidelines. Collection method: curation. Allele origin: germline.
Comment: The BLM c.43C>T (p.R15C) variant has been reported in heterozygosity in individuals with lymphoma, mesothelioma and prostate cancer (PMID: 31956452, 33318203, 29659569). This variant was observed in 51/127118 chromosomes in the Non-Finnish European population, with no homozygotes, according to the Genome Aggregation Database (PMID: 32461654) and has been reported in ClinVar (Variation ID: 236821). Functional studies have not been performed, and in silico predictions of the variant's effect on protein function are inconclusive. There is no indication that this variant causes disease, but the evidence is insufficient currently to prove that conclusively. Thus, the clinical significance of this variant is currently uncertain.

Ambry Genetics
Classification: Likely benign for Hereditary cancer-predisposing syndrome. Last evaluated: 2020-06-17. Review status: criteria provided, single submitter. Criteria: Ambry Variant Classification Scheme 2023. Collection method: clinical testing. Allele origin: germline.

PreventionGenetics, part of Exact Sciences
Classification: Uncertain significance for BLM-related condition. Last evaluated: 2024-04-24. Review status: no assertion criteria provided. Collection method: clinical testing. Allele origin: germline. Not counted in ClinVar's aggregate classification.
Comment: The BLM c.43C>T variant is predicted to result in the amino acid substitution p.Arg15Cys. This variant has been reported in individuals with peritoneal malignant mesothelioma (Bononi et al. 2020. PubMed ID: 33318203) and pediatric onset melanoma (Table S4b - Zhang et al. 2015. PubMed ID: 26580448). This variant is reported in 0.040% of alleles in individuals of European (Non-Finnish) descent in gnomAD and in ClinVar, is interpreted as likely benign or uncertain. At this time, the clinical significance of this variant is uncertain due to the absence of conclusive functional and genetic evidence.

Natera, Inc.
Classification: Likely benign for Bloom syndrome. Last evaluated: 2021-05-25. Review status: no assertion criteria provided. Collection method: clinical testing. Allele origin: germline. Not counted in ClinVar's aggregate classification.

Literature cited by the submitters: PubMed 35264596 (cited by Quest Diagnostics Nichols Institute San Juan Capistrano); PubMed 26580448 (cited by Quest Diagnostics Nichols Institute San Juan Capistrano and Women's Health and Genetics/Laboratory Corporation of America, LabCorp); PubMed 33318203 (cited by 3 submitters); PubMed 31956452 (cited by 3 submitters); PubMed 29659569 (cited by Quest Diagnostics Nichols Institute San Juan Capistrano and Sema4); PubMed 31681265 (cited by Women's Health and Genetics/Laboratory Corporation of America, LabCorp); PubMed 25940061 (cited by Women's Health and Genetics/Laboratory Corporation of America, LabCorp).

NM_000057.4(BLM):c.43C>T (p.Arg15Cys)

Gene: BLM (BLM RecQ like helicase; plus strand). Cytogenetic location: 15q26.1.
Variant type: single nucleotide variant.
Coding change: c.43C>T on transcript NM_000057.4 (MANE Select); coding-DNA position 43, C replaced by T.
Protein change: p.Arg15Cys; replaces arginine 15 with cysteine.
Molecular consequence: missense variant. On other transcripts: 5 prime UTR variant (1).
Genome position (GRCh38, 1-based): chr15:90,747,435, C>T. VCF-style: chr15-90747435-C-T. GRCh37 (hg19) VCF-style: chr15-91290665-C-T.
Other names: c.43C>T, p.Arg15Cys (NM_001287246.2, NM_001287247.2); c.-1249C>T (NM_001287248.2); short protein forms R15C.
Identifiers: ClinVar variation 236821 (VCV000236821.46), dbSNP rs148545569, ClinGen allele CA7738228.